The following is an entry in ClinVar:

NM_000159.4(GCDH):c.51G>T (p.Leu17=)

Genes: GCDH (glutaryl-CoA dehydrogenase; plus strand), LOC117125594 (CRISPRi-FlowFISH-validated KLF1 regulatory element; plus strand). Cytogenetic location: 19p13.13.
Variant type: single nucleotide variant.
Coding change: c.51G>T on transcript NM_000159.4 (MANE Select); coding-DNA position 51, G replaced by T.
Protein change: p.Leu17=; no amino-acid change (leucine 17 retained).
Molecular consequence: synonymous variant. On other transcripts: non-coding transcript variant (2).
Genome position (GRCh38, 1-based): chr19:12,891,355, G>T. VCF-style: chr19-12891355-G-T. GRCh37 (hg19) VCF-style: chr19-13002169-G-T.
Other names: c.51G>T (NM_000159.3); c.51G>T, p.Leu17= (NM_013976.5).
Identifiers: ClinVar variation 1103984 (VCV001103984.11), dbSNP rs772706462, ClinGen allele CA9234177.
Genomic context (GRCh38, chr19:12,891,355, plus strand): 5'-CTGAGAGAGCATGGCCCTGAGAGGCGTCTCCGTGCGGCTGCTGAGCCGCGGACCCGGCCT[G>T]CACGTCCTTCGCACGTGGGTCTCGTCGGCGGCGCAGACCGGTCAGTGTGGGGTCGGGAGT-3'
Protein context (NP_000150.1, residues 7-27): SVRLLSRGPG[Leu17=]HVLRTWVSSA

ClinVar aggregate classification (germline): Likely benign. Review status: criteria provided, single submitter (1 of 4 stars). 2 submissions from 2 submitters: Likely benign (1). 1 of the submissions does not count toward it. Last evaluated 2024-02-02.

Conditions:
GCDH-related disorder. Also called: GCDH-related condition.
Glutaric aciduria, type 1. Also called: Glutaricacidemia Type 1; Glutaricaciduria, type I; GA I; Glutaric acidemia type I; Glutaryl-CoA dehydrogenase deficiency; Glutaric Acidemia Type 1. Identifiers: Orphanet 25, MedGen C0268595, MONDO:0009281, OMIM 231670.

Allele frequency attached by ClinVar (database versions not stated): gnomAD exomes 0.00001 and 0.00004; ExAC 0.00003; TOPMed 0.00009; gnomAD 0.00013 and 0.00014.
gnomAD v4.1: 34 of 1,613,388 alleles (0.0021%); highest among the groups gnomAD compares: African/African-American, 0.039%; no homozygotes.

Submissions (2):

Labcorp Genetics (formerly Invitae), Labcorp
Classification: Likely benign for Glutaric aciduria, type 1. Last evaluated: 2024-02-02. Review status: criteria provided, single submitter. Criteria: Invitae Variant Classification Sherloc (09022015). Collection method: clinical testing. Allele origin: germline.

PreventionGenetics, part of Exact Sciences
Classification: Likely benign for GCDH-related condition. Last evaluated: 2022-06-23. Review status: no assertion criteria provided. Collection method: clinical testing. Allele origin: germline. Not counted in ClinVar's aggregate classification.
Comment: This variant is classified as likely benign based on ACMG/AMP sequence variant interpretation guidelines (Richards et al. 2015 PMID: 25741868, with internal and published modifications).